The following is an entry in ClinVar:

NM_133178.4(PTPRU):c.4248+5_4248+6insTCAC

Genes: PTPRU (protein tyrosine phosphatase receptor type U; plus strand), LOC122056818 (Sharpr-MPRA regulatory region 8387; plus strand). Cytogenetic location: 1p35.3.
Variant type: Insertion.
Coding change: c.4248+5_4248+6insTCAC on transcript NM_133178.4 (MANE Select); bases 5 to 6 of the intron after coding-DNA position 4248, TCAC inserted.
Molecular consequence: intron variant.
Genome position: GRCh38 VCF-style: chr1-29325331-G-GTCAC. GRCh37 (hg19) VCF-style: chr1-29651843-G-GTCAC.
Other names: c.4278+5_4278+6insTCAC (NM_005704.5); c.4260+5_4260+6insTCAC (NM_133177.4); c.4239+5_4239+6insTCAC (NM_001195001.2).
Identifiers: ClinVar variation 3049063 (VCV003049063.2), dbSNP rs571572144, ClinGen allele CA727401.

ClinVar aggregate classification (germline): Likely benign (0 of 4 stars; one submission).

Conditions:
PTPRU-related disorder. Also called: PTPRU-related condition.

Allele frequency attached by ClinVar (database versions not stated): ESP Exome Variant Server 0.00024; ExAC 0.00035; TOPMed 0.00046; gnomAD exomes 0.00048; gnomAD 0.00049; 1000 Genomes Project 30x 0.00078; 1000 Genomes Project 0.00100.

Submission:

PreventionGenetics, part of Exact Sciences
Classification: Likely benign for PTPRU-related condition. Last evaluated: 2020-10-12. Review status: no assertion criteria provided. Collection method: clinical testing. Allele origin: germline.
Comment: This variant is classified as likely benign based on ACMG/AMP sequence variant interpretation guidelines (Richards et al. 2015 PMID: 25741868, with internal and published modifications).